The following is an entry in ClinVar:

ClinVar aggregate classification (germline): Uncertain significance (1 of 4 stars; one submission).

Conditions:
Epidermolysis bullosa simplex with nail dystrophy (EBS5D). Identifiers: MedGen C4225309, MONDO:0014661, OMIM 616487.
Epidermolysis bullosa simplex, Ogna type (EBS5A). Also called: EPIDERMOLYSIS BULLOSA SIMPLEX 5A, OGNA TYPE; Pidermolysis bullosa simplex 5A, Ogna type. Identifiers: Orphanet 79401, MedGen C0432317, MONDO:0007555, OMIM 131950.
Autosomal recessive limb-girdle muscular dystrophy type 2Q (LGMDR17). Also called: MUSCULAR DYSTROPHY, LIMB-GIRDLE, AUTOSOMAL RECESSIVE 17. Identifiers: Orphanet 254361, MedGen C3150989, MONDO:0013390, OMIM 613723.
Epidermolysis bullosa simplex 5B, with muscular dystrophy (EBS5B). Also called: EPIDERMOLYSIS BULLOSA SIMPLEX AND LIMB-GIRDLE MUSCULAR DYSTROPHY; Epidermolysis bullosa simplex with muscular dystrophy. Identifiers: Orphanet 257, MedGen C2931072, MONDO:0009181, OMIM 226670.
Epidermolysis bullosa simplex 5C, with pyloric atresia (EBS5C). Also called: PLEC-Related Epidermolysis Bullosa with Pyloric Atresia; Epidermolysis bullosa simplex with pyloric atresia; PLEC1-Related Epidermolysis Bullosa with Pyloric Atresia. Identifiers: Orphanet 158684, MedGen C2677349, MONDO:0012807, OMIM 612138.

gnomAD v4.1: 2 of 1,613,526 alleles (0.00012%); highest among the groups gnomAD compares: African/African-American, 0.0027%; no homozygotes.

Submission:

Labcorp Genetics (formerly Invitae), Labcorp
Classification: Uncertain significance for Autosomal recessive limb-girdle muscular dystrophy type 2Q; Epidermolysis bullosa simplex, Ogna type; Epidermolysis bullosa simplex with nail dystrophy; Epidermolysis bullosa simplex 5C, with pyloric atresia; Epidermolysis bullosa simplex 5B, with muscular dystrophy. Last evaluated: 2025-11-06. Review status: criteria provided, single submitter. Criteria: Invitae Variant Classification Sherloc (09022015). Collection method: clinical testing. Allele origin: germline.
Comment: This sequence change replaces glutamic acid, which is acidic and polar, with glycine, which is neutral and non-polar, at codon 2462 of the PLEC protein (p.Glu2462Gly). This variant is present in population databases (no rsID available, gnomAD 0.007%). This variant has not been reported in the literature in individuals affected with PLEC-related conditions. An algorithm developed to predict the effect of missense changes on protein structure and function (PolyPhen-2) suggests that this variant is likely to be disruptive. In summary, the available evidence is currently insufficient to determine the role of this variant in disease. Therefore, it has been classified as a Variant of Uncertain Significance.

NM_201384.3(PLEC):c.7304A>G (p.Glu2435Gly)

Gene: PLEC (plectin; minus strand). Cytogenetic location: 8q24.3.
Variant type: single nucleotide variant.
Coding change: c.7304A>G on transcript NM_201384.3 (MANE Select); coding-DNA position 7304, A replaced by G.
Protein change: p.Glu2435Gly; replaces glutamic acid 2435 with glycine.
Molecular consequence: missense variant. On other transcripts: intron variant (1).
Genome position (GRCh38, 1-based): chr8:143,922,625, T>C on the plus strand (A>G on the coding strand, the complement: PLEC is on the minus strand). VCF-style: chr8-143922625-T-C. GRCh37 (hg19) VCF-style: chr8-144996793-T-C.
Other names: c.7385A>G, p.Glu2462Gly (NM_000445.5); c.7262A>G, p.Glu2421Gly (NM_201378.4); c.7238A>G, p.Glu2413Gly (NM_201379.3); c.7715A>G, p.Glu2572Gly (NM_201380.4); c.7208A>G, p.Glu2403Gly (NM_201381.3); c.7304A>G, p.Glu2435Gly (NM_201382.4); c.7316A>G, p.Glu2439Gly (NM_201383.3); c.4126-230A>G (NM_001410941.1); short protein forms E2403G, E2413G, E2421G, E2439G, E2435G, E2462G, E2572G.
Identifiers: ClinVar variation 4790655 (VCV004790655.1).